The following is an entry in ClinVar:

NM_198578.4(LRRK2):c.6466G>T (p.Val2156Phe)

Gene: LRRK2 (leucine rich repeat kinase 2; plus strand). Cytogenetic location: 12q12.
Variant type: single nucleotide variant.
Coding change: c.6466G>T on transcript NM_198578.4 (MANE Select); coding-DNA position 6466, G replaced by T.
Protein change: p.Val2156Phe; replaces valine 2156 with phenylalanine.
Molecular consequence: missense variant.
Genome position (GRCh38, 1-based): chr12:40,351,623, G>T. VCF-style: chr12-40351623-G-T. GRCh37 (hg19) VCF-style: chr12-40745425-G-T.
Other names: short protein forms V2156F.
Identifiers: ClinVar variation 451067 (VCV000451067.2), dbSNP rs1555194625, ClinGen allele CA384406850.

ClinVar aggregate classification (germline): Uncertain significance (1 of 4 stars; one submission).

Submission:

GeneDx
Classification: Uncertain significance. Last evaluated: 2017-08-07. Review status: criteria provided, single submitter. Criteria: GeneDx Variant Classification (06012015). Collection method: clinical testing. Allele origin: germline. Affected: yes.
Comment: The V2156F variant in the LRRK2 gene has not been reported previously as a pathogenic variant, nor as a benign variant, to our knowledge. The V2156F variant is not observed in large population cohorts (Lek et al., 2016; 1000 Genomes Consortium et al., 2015; Exome Variant Server). The V2156F variant is a semi-conservative amino acid substitution, which may impact secondary protein structure as these residues differ in some properties. This substitution occurs at a position where amino acids with similar properties to Valine are tolerated across species. In silico analysis is inconsistent in its predictions as to whether or not the variant is damaging to the protein structure/function. We interpret V2156F as a variant of uncertain significance.